The following is an entry in ClinVar:

NM_000492.4(CFTR):c.1738G>A (p.Val580Ile)

Gene: CFTR (CF transmembrane conductance regulator; plus strand). Cytogenetic location: 7q31.2.
Variant type: single nucleotide variant.
Coding change: c.1738G>A on transcript NM_000492.4 (MANE Select); coding-DNA position 1738, G replaced by A.
Protein change: p.Val580Ile; replaces valine 580 with isoleucine.
Molecular consequence: missense variant.
Genome position (GRCh38, 1-based): chr7:117,590,411, G>A. VCF-style: chr7-117590411-G-A. GRCh37 (hg19) VCF-style: chr7-117230465-G-A.
Other names: c.1738G>A (NM_000492.3); short protein forms V580I.
Identifiers: ClinVar variation 1406988 (VCV001406988.9), dbSNP rs2116025764, ClinGen allele CA368977246.

ClinVar aggregate classification (germline): Uncertain significance. Review status: criteria provided, multiple submitters, no conflicts (2 of 4 stars). 2 submissions from 2 submitters: Uncertain significance (2). Last evaluated 2022-11-27.

Conditions:
Cystic fibrosis (CF). Also called: MUCOVISCIDOSIS. Identifiers: Orphanet 586, MedGen C0010674, MONDO:0009061, OMIM 219700. Disease mechanism: loss of function.

Allele frequency attached by ClinVar (database versions not stated): gnomAD exomes below 0.00001.

Submissions (2):

Ambry Genetics
Classification: Uncertain significance for Cystic fibrosis. Last evaluated: 2022-11-27. Review status: criteria provided, single submitter. Criteria: Ambry Variant Classification Scheme 2023. Collection method: clinical testing. Allele origin: germline.
Comment: The p.V580I variant (also known as c.1738G>A), located in coding exon 13 of the CFTR gene, results from a G to A substitution at nucleotide position 1738. The valine at codon 580 is replaced by isoleucine, an amino acid with highly similar properties. This amino acid position is conserved. In addition, the in silico prediction for this alteration is inconclusive. Since supporting evidence is limited at this time, the clinical significance of this alteration remains unclear.

Labcorp Genetics (formerly Invitae), Labcorp
Classification: Uncertain significance for Cystic fibrosis. Last evaluated: 2021-01-15. Review status: criteria provided, single submitter. Criteria: Invitae Variant Classification Sherloc (09022015). Collection method: clinical testing. Allele origin: germline.
Comment: In summary, the available evidence is currently insufficient to determine the role of this variant in disease. Therefore, it has been classified as a Variant of Uncertain Significance. Algorithms developed to predict the effect of missense changes on protein structure and function (SIFT, PolyPhen-2, Align-GVGD) all suggest that this variant is likely to be tolerated, but these predictions have not been confirmed by published functional studies and their clinical significance is uncertain. This variant has not been reported in the literature in individuals with CFTR-related conditions. This variant is not present in population databases (ExAC no frequency). This sequence change replaces valine with isoleucine at codon 580 of the CFTR protein (p.Val580Ile). The valine residue is weakly conserved and there is a small physicochemical difference between valine and isoleucine.